The following is an entry in ClinVar:

NM_006231.4(POLE):c.6161A>C (p.Tyr2054Ser)

Gene: POLE (DNA polymerase epsilon, catalytic subunit; minus strand). Cytogenetic location: 12q24.33.
Variant type: single nucleotide variant.
Coding change: c.6161A>C on transcript NM_006231.4 (MANE Select); coding-DNA position 6161, A replaced by C.
Protein change: p.Tyr2054Ser; replaces tyrosine 2054 with serine.
Molecular consequence: missense variant.
Genome position (GRCh38, 1-based): chr12:132,632,484, T>G on the plus strand (A>C on the coding strand, the complement: POLE is on the minus strand). VCF-style: chr12-132632484-T-G. GRCh37 (hg19) VCF-style: chr12-133209070-T-G.
Other names: c.6161A>C (NM_006231.2); short protein forms Y2054S.
Identifiers: ClinVar variation 645569 (VCV000645569.9), dbSNP rs1593708209, ClinGen allele CA387369964.

ClinVar aggregate classification (germline): Uncertain significance. Review status: criteria provided, multiple submitters, no conflicts (2 of 4 stars). 2 submissions from 2 submitters: Uncertain significance (2). Last evaluated 2024-07-27.

Conditions:
Hereditary cancer-predisposing syndrome. Also called: Hereditary Cancer Syndrome; Tumor predisposition; Hereditary neoplastic syndrome; Neoplastic Syndromes, Hereditary. Identifiers: Orphanet 140162, MedGen C0027672, MeSH D009386, MONDO:0015356.

Submissions (2):

Ambry Genetics
Classification: Uncertain significance for Hereditary cancer-predisposing syndrome. Last evaluated: 2024-07-27. Review status: criteria provided, single submitter. Criteria: Ambry Variant Classification Scheme 2023. Collection method: clinical testing. Allele origin: germline.
Comment: The p.Y2054S variant (also known as c.6161A>C), located in coding exon 45 of the POLE gene, results from an A to C substitution at nucleotide position 6161. The tyrosine at codon 2054 is replaced by serine, an amino acid with dissimilar properties. This amino acid position is conserved. In addition, this alteration is predicted to be deleterious by in silico analysis. Based on the available evidence, the clinical significance of this variant remains unclear.

Labcorp Genetics (formerly Invitae), Labcorp
Classification: Uncertain significance. Last evaluated: 2021-03-26. Review status: criteria provided, single submitter. Criteria: Invitae Variant Classification Sherloc (09022015). Collection method: clinical testing. Allele origin: germline.
Comment: In summary, the available evidence is currently insufficient to determine the role of this variant in disease. Therefore, it has been classified as a Variant of Uncertain Significance. Algorithms developed to predict the effect of missense changes on protein structure and function (SIFT, PolyPhen-2, Align-GVGD) all suggest that this variant is likely to be tolerated, but these predictions have not been confirmed by published functional studies and their clinical significance is uncertain. This variant has not been reported in the literature in individuals with POLE-related disease. This variant is not present in population databases (ExAC no frequency). This sequence change replaces tyrosine with serine at codon 2054 of the POLE protein (p.Tyr2054Ser). The tyrosine residue is moderately conserved and there is a large physicochemical difference between tyrosine and serine.